The following is an entry in ClinVar:

NM_014491.4(FOXP2):c.1748G>A (p.Arg583Gln)

Gene: FOXP2 (forkhead box P2; plus strand). Cytogenetic location: 7q31.1.
Variant type: single nucleotide variant.
Coding change: c.1748G>A on transcript NM_014491.4 (MANE Select); coding-DNA position 1748, G replaced by A.
Protein change: p.Arg583Gln; replaces arginine 583 with glutamine.
Molecular consequence: missense variant. On other transcripts: non-coding transcript variant (2).
Genome position (GRCh38, 1-based): chr7:114,662,165, G>A. VCF-style: chr7-114662165-G-A. GRCh37 (hg19) VCF-style: chr7-114302220-G-A.
Other names: c.1745G>A, p.Arg582Gln (NM_001172766.3); c.1823G>A, p.Arg608Gln (NM_148898.4); c.1799G>A, p.Arg600Gln (NM_148900.4); short protein forms R582Q, R583Q, R600Q, R608Q.
Identifiers: ClinVar variation 2631962 (VCV002631962.1), dbSNP rs2485493330, ClinGen allele CA368965976.
Genomic context (GRCh38, chr7:114,662,165, plus strand): 5'-TTCGAGTAGAAAATGTTAAAGGAGCAGTATGGACTGTGGATGAAGTAGAATACCAGAAGC[G>A]AAGGTCACAAAAGATAACAGGGTATGTTTGTGATAGTTTTGTAATCCTGTATCCTGCATC-3'
Protein context (NP_055306.1, residues 573-593): WTVDEVEYQK[Arg583Gln]RSQKITGSPT

ClinVar aggregate classification (germline): Uncertain significance (1 of 4 stars; one submission).

Conditions:
FOXP2-related disorder. Also called: FOXP2-related condition.

Allele frequency attached by ClinVar (database versions not stated): gnomAD exomes below 0.00001.
gnomAD v4.1: 2 of 1,612,748 alleles (0.00012%); highest among the groups gnomAD compares: East Asian, 0.0022%; no homozygotes.

Submission:

PreventionGenetics, part of Exact Sciences
Classification: Uncertain significance for FOXP2-related condition. Last evaluated: 2023-07-03. Review status: criteria provided, single submitter. Criteria: ACMG Guidelines, 2015. Collection method: clinical testing. Allele origin: germline.
Comment: The FOXP2 c.1748G>A variant is predicted to result in the amino acid substitution p.Arg583Gln. To our knowledge, this variant has not been reported in the literature or in a large population database, indicating this variant is rare. At this time, the clinical significance of this variant is uncertain due to the absence of conclusive functional and genetic evidence.